The following is an entry in ClinVar:

NM_001145004.2(GOLGA6L6):c.1376_1380del (p.Ile459fs)

Gene: GOLGA6L6 (golgin A6 family like 6 (gene/pseudogene); minus strand). Cytogenetic location: 15q11.2.
Variant type: Deletion.
Coding change: c.1376_1380del on transcript NM_001145004.2 (MANE Select); coding-DNA positions 1376 to 1380, 5 bases deleted (TAAGG; older notation c.1376_1380delTAAGG).
Protein change: p.Ile459fs; shifts the reading frame from isoleucine 459.
Molecular consequence: frameshift variant.
Genome position (GRCh38, 1-based): chr15:20,535,054-20,535,058, CCTTA deleted on the plus strand (TAAGG on the coding strand, the reverse complement: GOLGA6L6 is on the minus strand). VCF-style (leftmost placement, unchanged base first): chr15-20535053-CCCTTA-C. GRCh37 (hg19) VCF-style: chr15-20740291-CGTGAA-C.
Other names: short protein forms I459fs.
Identifiers: ClinVar variation 2644936 (VCV002644936.24), dbSNP rs754572511, ClinGen allele CA266815542.

ClinVar aggregate classification (germline): Likely benign (1 of 4 stars; one submission).

Allele frequency attached by ClinVar (database versions not stated): ExAC 0.00036.

Submission:

CeGaT Center for Human Genetics Tuebingen
Classification: Likely benign. Last evaluated: 2023-11-01. Review status: criteria provided, single submitter. Criteria: CeGaT Center For Human Genetics Tuebingen Variant Classification Criteria Version 2. Collection method: clinical testing. Allele origin: germline. Affected: yes. Observed: 2 variant alleles.
Comment: GOLGA6L6: BS2